The following is an entry in ClinVar:

ClinVar aggregate classification (germline): Uncertain significance (1 of 4 stars; one submission).

Conditions:
MEGF8-related Carpenter syndrome. Also called: Carpenter syndrome 2. Identifiers: Orphanet 65759, MedGen C3554247, MONDO:0013998, OMIM 614976.

Allele frequency attached by ClinVar (database versions not stated): gnomAD exomes 0.00001.

Submission:

Labcorp Genetics (formerly Invitae), Labcorp
Classification: Uncertain significance for MEGF8-related Carpenter syndrome. Last evaluated: 2025-05-12. Review status: criteria provided, single submitter. Criteria: Invitae Variant Classification Sherloc (09022015). Collection method: clinical testing. Allele origin: germline.
Comment: This sequence change replaces cysteine, which is neutral and slightly polar, with tyrosine, which is neutral and polar, at codon 169 of the MEGF8 protein (p.Cys169Tyr). This variant is not present in population databases (gnomAD no frequency). This variant has not been reported in the literature in individuals affected with MEGF8-related conditions. ClinVar contains an entry for this variant (Variation ID: 1956741). An algorithm developed to predict the effect of missense changes on protein structure and function (PolyPhen-2) suggests that this variant is likely to be disruptive. In summary, the available evidence is currently insufficient to determine the role of this variant in disease. Therefore, it has been classified as a Variant of Uncertain Significance.

NM_001271938.2(MEGF8):c.506G>A (p.Cys169Tyr)

Gene: MEGF8 (multiple EGF like domains 8; plus strand). Cytogenetic location: 19q13.2.
Variant type: single nucleotide variant.
Coding change: c.506G>A on transcript NM_001271938.2 (MANE Select); coding-DNA position 506, G replaced by A.
Protein change: p.Cys169Tyr; replaces cysteine 169 with tyrosine.
Molecular consequence: missense variant.
Genome position (GRCh38, 1-based): chr19:42,334,161, G>A. VCF-style: chr19-42334161-G-A. GRCh37 (hg19) VCF-style: chr19-42838313-G-A.
Other names: c.506G>A, p.Cys169Tyr (NM_001410.3); short protein forms C169Y.
Identifiers: ClinVar variation 1956741 (VCV001956741.5), dbSNP rs2514249064, ClinGen allele CA406080732.